The following is an entry in ClinVar:

NM_007294.4(BRCA1):c.5351T>G (p.Val1784Gly)

Gene: BRCA1 (BRCA1 DNA repair associated; minus strand). Cytogenetic location: 17q21.31.
Variant type: single nucleotide variant.
Coding change: c.5351T>G on transcript NM_007294.4 (MANE Select); coding-DNA position 5351, T replaced by G.
Protein change: p.Val1784Gly; replaces valine 1784 with glycine.
Molecular consequence: missense variant. On other transcripts: non-coding transcript variant (1), intron variant (1).
Genome position (GRCh38, 1-based): chr17:43,049,176, A>C on the plus strand (T>G on the coding strand, the complement: BRCA1 is on the minus strand). VCF-style: chr17-43049176-A-C. GRCh37 (hg19) VCF-style: chr17-41201193-A-C.
Other names: c.5135T>G, p.Val1712Gly (NM_001407915.1, NM_001407916.1, NM_001407917.1 and 1 more transcripts); c.5087T>G, p.Val1696Gly (NM_001407920.1, NM_001407921.1, NM_001407922.1 and 4 more transcripts); c.5204T>G, p.Val1735Gly (NM_001407839.1, NM_001407841.1, NM_001407842.1 and 12 more transcripts); c.5141T>G, p.Val1714Gly (NM_001407881.1, NM_001407882.1, NM_001407884.1 and 5 more transcripts); c.5138T>G, p.Val1713Gly (NM_001407894.1, NM_001407895.1, NM_001407896.1 and 12 more transcripts); c.5225T>G, p.Val1742Gly (NM_001407670.1, NM_001407671.1, NM_001407672.1 and 8 more transcripts); c.5219T>G, p.Val1740Gly (NM_001407690.1, NM_001407691.1); c.5210T>G, p.Val1737Gly (NM_001407692.1, NM_001407694.1, NM_001407695.1 and 12 more transcripts); and 73 more; short protein forms V1737G, V1805G, V1784G, V680G, V1630G, V1655G, V1656G, V1673G.
Identifiers: ClinVar variation 868028 (VCV000868028.3), dbSNP rs1367077331, ClinGen allele CA10590758.

Conditions:
Breast-ovarian cancer, familial, susceptibility to, 1 (BROVCA1). Also called: BRCA1 Hereditary Breast and Ovarian Cancer; OVARIAN CANCER, SUSCEPTIBILITY TO. Identifiers: Orphanet 145, MedGen C2676676, MONDO:0011450, OMIM 604370. Disease mechanism: loss of function.

Submission:

Brotman Baty Institute, University of Washington
No classification provided (evidence only). Condition: Breast-ovarian cancer, familial 1. Review status: no classification provided. Collection method: in vitro. Allele origin: not applicable. Functional consequence: functionally_normal.
ClinVar note: "not provided" was previously submitted as the classification for the variant. However, the classification appeared to be based only on an observation of functional data so it was converted to no classification on 2025-07-30.